The following is an entry in ClinVar:

NM_020949.3(SLC7A14):c.791C>G (p.Ala264Gly)

Genes: SLC7A14 (solute carrier family 7 member 14; minus strand), SLC7A14-AS1 (SLC7A14 antisense RNA 1; plus strand). Cytogenetic location: 3q26.2.
Variant type: single nucleotide variant.
Coding change: c.791C>G on transcript NM_020949.3 (MANE Select); coding-DNA position 791, C replaced by G.
Protein change: p.Ala264Gly; replaces alanine 264 with glycine.
Molecular consequence: missense variant.
Genome position (GRCh38, 1-based): chr3:170,486,337, G>C on the plus strand (C>G on the coding strand, the complement: SLC7A14 is on the minus strand). VCF-style: chr3-170486337-G-C. GRCh37 (hg19) VCF-style: chr3-170204126-G-C.
Other names: short protein forms A264G.
Identifiers: ClinVar variation 4717764 (VCV004717764.1).

ClinVar aggregate classification (germline): Uncertain significance (1 of 4 stars; one submission).

Submission:

Labcorp Genetics (formerly Invitae), Labcorp
Classification: Uncertain significance. Last evaluated: 2025-04-17. Review status: criteria provided, single submitter. Criteria: Invitae Variant Classification Sherloc (09022015). Collection method: clinical testing. Allele origin: germline.
Comment: This sequence change replaces alanine, which is neutral and non-polar, with glycine, which is neutral and non-polar, at codon 264 of the SLC7A14 protein (p.Ala264Gly). This variant is not present in population databases (gnomAD no frequency). This variant has not been reported in the literature in individuals affected with SLC7A14-related conditions. An algorithm developed to predict the effect of missense changes on protein structure and function (PolyPhen-2) suggests that this variant is likely to be disruptive. In summary, the available evidence is currently insufficient to determine the role of this variant in disease. Therefore, it has been classified as a Variant of Uncertain Significance.